The following is an entry in ClinVar:

ClinVar aggregate classification (germline): Likely benign (1 of 4 stars; one submission).

Allele frequency attached by ClinVar (database versions not stated): gnomAD exomes 0.00066; ESP Exome Variant Server 0.00663; gnomAD 0.00681 and 0.00721; TOPMed 0.00823; 1000 Genomes Project 0.00879; 1000 Genomes Project 30x 0.01109.
gnomAD v4.1: 2,032 of 1,613,522 alleles (0.13%); highest among the groups gnomAD compares: African/African-American, 2.4%; 24 homozygotes.

Submission:

GeneDx
Classification: Likely benign. Last evaluated: 2021-12-24. Review status: criteria provided, single submitter. Criteria: GeneDx Variant Classification Process June 2021. Collection method: clinical testing. Allele origin: germline. Affected: yes.
Comment: See Variant Classification Assertion Criteria.

NM_004082.5(DCTN1):c.1854+52A>G

Gene: DCTN1 (dynactin subunit 1; minus strand). Cytogenetic location: 2p13.1.
Variant type: single nucleotide variant.
Coding change: c.1854+52A>G on transcript NM_004082.5 (MANE Select); 52 bases into the intron after coding-DNA position 1854, A replaced by G.
Molecular consequence: intron variant.
Genome position (GRCh38, 1-based): chr2:74,368,676, T>C on the plus strand (A>G on the coding strand, the complement: DCTN1 is on the minus strand). VCF-style: chr2-74368676-T-C. GRCh37 (hg19) VCF-style: chr2-74595803-T-C.
Other names: c.1743+52A>G (NM_001190836.2); c.1785+52A>G (NM_001378992.1); c.1803+52A>G (NM_001378991.1); c.1794+52A>G (NM_001135040.3); c.1833+52A>G (NM_001190837.2); c.1452+52A>G (NM_001135041.3, NM_023019.4).
Identifiers: ClinVar variation 1700520 (VCV001700520.2), dbSNP rs56943021, ClinGen allele CA15169973.